The following is an entry in ClinVar:

NM_001130082.3(PLXNB1):c.2583C>G (p.Pro861=)

Gene: PLXNB1 (plexin B1; minus strand). Cytogenetic location: 3p21.31.
Variant type: single nucleotide variant.
Coding change: c.2583C>G on transcript NM_001130082.3 (MANE Select); coding-DNA position 2583, C replaced by G.
Protein change: p.Pro861=; no amino-acid change (proline 861 retained).
Molecular consequence: synonymous variant.
Genome position (GRCh38, 1-based): chr3:48,419,703, G>C on the plus strand (C>G on the coding strand, the complement: PLXNB1 is on the minus strand). VCF-style: chr3-48419703-G-C. GRCh37 (hg19) VCF-style: chr3-48461112-G-C.
Other names: c.2583C>G, p.Pro861= (NM_002673.6).
Identifiers: ClinVar variation 2653788 (VCV002653788.24), dbSNP rs142446170, ClinGen allele CA2374781.

ClinVar aggregate classification (germline): Likely benign (1 of 4 stars; one submission).

Allele frequency attached by ClinVar (database versions not stated): 1000 Genomes Project 30x 0.00031; ESP Exome Variant Server 0.00031; 1000 Genomes Project 0.00040.
gnomAD v4.1: 149 of 1,612,354 alleles (0.0092%); highest among the groups gnomAD compares: African/African-American, 0.19%; no homozygotes.

Submission:

CeGaT Center for Human Genetics Tuebingen
Classification: Likely benign. Last evaluated: 2022-07-01. Review status: criteria provided, single submitter. Criteria: CeGaT Center For Human Genetics Tuebingen Variant Classification Criteria Version 2. Collection method: clinical testing. Allele origin: germline. Affected: yes. Observed: 1 variant allele.
Comment: PLXNB1: BP4, BP7